The following is an entry in ClinVar:

NM_018646.6(TRPV6):c.1998A>G (p.Gly666=)

Gene: TRPV6 (transient receptor potential cation channel subfamily V member 6; minus strand). Cytogenetic location: 7q34.
Variant type: single nucleotide variant.
Coding change: c.1998A>G on transcript NM_018646.6 (MANE Select); coding-DNA position 1998, A replaced by G.
Protein change: p.Gly666=; no amino-acid change (glycine 666 retained).
Molecular consequence: synonymous variant.
Genome position (GRCh38, 1-based): chr7:142,872,389, T>C on the plus strand (A>G on the coding strand, the complement: TRPV6 is on the minus strand). VCF-style: chr7-142872389-T-C. GRCh37 (hg19) VCF-style: chr7-142570142-T-C.
Other names: p.Gly666=; c.1998A>G (NM_018646.5).
Identifiers: ClinVar variation 2786650 (VCV002786650.7), dbSNP rs4987679, ClinGen allele CA4532350.
Genomic context (GRCh38, chr7:142,872,389, plus strand): 5'-GATGAGGCTTCTCAGGGGACACCTACCCCCGCATATCACTCACCGCAGGAACCAGCGGTC[T>C]CCCAGGCCATACTCCCGTCCGCAGATCCCGGAGCGAGGCCACAGGCAGCGAGGCAGCTTC-3'
Protein context (NP_061116.5, residues 656-676): SGICGREYGL[Gly666=]DRWFLRVEDR

ClinVar aggregate classification (germline): Benign. Review status: criteria provided, multiple submitters, no conflicts (2 of 4 stars). 4 submissions from 4 submitters: Benign (3). 1 of the submissions does not count toward it. Last evaluated 2026-02-04.

Conditions:
TRPV6-related disorder. Also called: TRPV6-related condition.

Allele frequency attached by ClinVar (database versions not stated): gnomAD exomes 0.08274; ExAC 0.10169; 1000 Genomes Project 0.19389; gnomAD 0.20249; 1000 Genomes Project 30x 0.20565; TOPMed 0.22019; ESP Exome Variant Server 0.23128.
gnomAD v4.1: 152,563 of 1,614,014 alleles (9.5%); highest among the groups gnomAD compares: African/African-American, 54%; 15,687 homozygotes.

Submissions (4):

Labcorp Genetics (formerly Invitae), Labcorp
Classification: Benign. Last evaluated: 2026-02-04. Review status: criteria provided, single submitter. Criteria: Invitae Variant Classification Sherloc (09022015). Collection method: clinical testing. Allele origin: germline.

Mayo Clinic Laboratories, Mayo Clinic
Classification: Benign. Last evaluated: 2025-08-14. Review status: criteria provided, single submitter. Criteria: ACMG Guidelines, 2015. Collection method: clinical testing. Allele origin: germline. Observed: 7 variant alleles.

Blueprint Genetics
Classification: Benign. Last evaluated: 2024-11-27. Review status: criteria provided, single submitter. Criteria: ACMG Guidelines, 2015. Collection method: clinical testing. Allele origin: germline.

PreventionGenetics, part of Exact Sciences
Classification: Benign for TRPV6-related condition. Last evaluated: 2019-10-16. Review status: no assertion criteria provided. Collection method: clinical testing. Allele origin: germline. Not counted in ClinVar's aggregate classification.
Comment: This variant is classified as benign based on ACMG/AMP sequence variant interpretation guidelines (Richards et al. 2015 PMID: 25741868, with internal and published modifications).